The following is an entry in ClinVar:

NM_001018115.3(FANCD2):c.3106T>A (p.Cys1036Ser)

Genes: FANCD2OS (FANCD2 opposite strand; minus strand), FANCD2 (FA complementation group D2; plus strand). Cytogenetic location: 3p25.3.
Variant type: single nucleotide variant.
Coding change: c.3106T>A on transcript NM_001018115.3 (MANE Select); coding-DNA position 3106, T replaced by A.
Protein change: p.Cys1036Ser; replaces cysteine 1036 with serine.
Molecular consequence: missense variant. On other transcripts: 3 prime UTR variant (1).
Genome position (GRCh38, 1-based): chr3:10,081,346, T>A. VCF-style: chr3-10081346-T-A. GRCh37 (hg19) VCF-style: chr3-10123030-T-A.
Other names: c.3106T>A, p.Cys1036Ser (NM_001374254.1, NM_033084.6, NM_001319984.2); c.*229A>T (NM_173472.2); c.2995T>A, p.Cys999Ser (NM_001374253.1); short protein forms C1036S, C999S.
Identifiers: ClinVar variation 1057124 (VCV001057124.45), dbSNP rs767901156, ClinGen allele CA2250285.

ClinVar aggregate classification (germline): Uncertain significance (1 of 4 stars; one submission).

Conditions:
Fanconi anemia (FA). Also called: Fanconi's anemia. Identifiers: Orphanet 84, MedGen C0015625, MeSH D005199, MONDO:0019391.

Allele frequency attached by ClinVar (database versions not stated): gnomAD exomes 0.00001 and 0.00002; TOPMed 0.00001; ExAC 0.00002.
gnomAD v4.1: 3 of 1,613,426 alleles (0.00019%); highest among the groups gnomAD compares: East Asian, 0.0067%; no homozygotes.

Submission:

Labcorp Genetics (formerly Invitae), Labcorp
Classification: Uncertain significance for Fanconi anemia. Last evaluated: 2021-08-28. Review status: criteria provided, single submitter. Criteria: Invitae Variant Classification Sherloc (09022015). Collection method: clinical testing. Allele origin: germline.
Comment: This sequence change replaces cysteine with serine at codon 1036 of the FANCD2 protein (p.Cys1036Ser). The cysteine residue is weakly conserved and there is a moderate physicochemical difference between cysteine and serine. This variant is present in population databases (rs767901156, ExAC 0.03%). This variant has not been reported in the literature in individuals affected with FANCD2-related conditions. Algorithms developed to predict the effect of missense changes on protein structure and function output the following: SIFT: "Tolerated"; PolyPhen-2: "Benign"; Align-GVGD: "Class C0". The serine amino acid residue is found in multiple mammalian species, which suggests that this missense change does not adversely affect protein function. In summary, the available evidence is currently insufficient to determine the role of this variant in disease. Therefore, it has been classified as a Variant of Uncertain Significance.